The following is an entry in ClinVar:

ClinVar aggregate classification (germline): Uncertain significance. Review status: criteria provided, multiple submitters, no conflicts (2 of 4 stars). 2 submissions from 2 submitters: Uncertain significance (2). Last evaluated 2025-08-16.

Conditions:
TTC8-related disorder. Also called: TTC8-related condition.
Bardet-Biedl syndrome (BBS). Identifiers: Orphanet 110, MedGen C0752166, MONDO:0015229.

Submissions (2):

PreventionGenetics, part of Exact Sciences
Classification: Uncertain significance for TTC8-related condition. Last evaluated: 2025-08-16. Review status: criteria provided, single submitter. Criteria: ACMG Guidelines, 2015. Collection method: clinical testing. Allele origin: germline.
Comment: The TTC8 c.1385C>G variant is predicted to result in the amino acid substitution p.Pro462Arg. To our knowledge, this variant has not been reported in the literature or in a large population database (gnomAD), indicating this variant is rare. At this time, the clinical significance of this variant is uncertain due to the absence of conclusive functional and genetic evidence.

Labcorp Genetics (formerly Invitae), Labcorp
Classification: Uncertain significance for Bardet-Biedl syndrome. Last evaluated: 2022-08-23. Review status: criteria provided, single submitter. Criteria: Invitae Variant Classification Sherloc (09022015). Collection method: clinical testing. Allele origin: germline.
Comment: In summary, the available evidence is currently insufficient to determine the role of this variant in disease. Therefore, it has been classified as a Variant of Uncertain Significance. Algorithms developed to predict the effect of missense changes on protein structure and function are either unavailable or do not agree on the potential impact of this missense change (SIFT: "Deleterious"; PolyPhen-2: "Possibly Damaging"; Align-GVGD: "Class C0"). ClinVar contains an entry for this variant (Variation ID: 1352252). This variant has not been reported in the literature in individuals affected with TTC8-related conditions. This variant is not present in population databases (gnomAD no frequency). This sequence change replaces proline, which is neutral and non-polar, with arginine, which is basic and polar, at codon 452 of the TTC8 protein (p.Pro452Arg).

NM_144596.4(TTC8):c.1385C>G (p.Pro462Arg)

Gene: TTC8 (tetratricopeptide repeat domain 8; plus strand). Cytogenetic location: 14q31.3.
Variant type: single nucleotide variant.
Coding change: c.1385C>G on transcript NM_144596.4 (MANE Select); coding-DNA position 1385, C replaced by G.
Protein change: p.Pro462Arg; replaces proline 462 with arginine.
Molecular consequence: missense variant. On other transcripts: non-coding transcript variant (1), intron variant (2).
Genome position (GRCh38, 1-based): chr14:88,875,063, C>G. VCF-style: chr14-88875063-C-G. GRCh37 (hg19) VCF-style: chr14-89341407-C-G.
Other names: c.1433C>G, p.Pro478Arg (NM_001288781.1); c.791C>G, p.Pro264Arg (NM_001288782.1); c.668C>G, p.Pro223Arg (NM_001288783.1); c.1355C>G, p.Pro452Arg (NM_198309.3); c.1265C>G, p.Pro422Arg (NM_198310.3); c.1318-2231C>G (NM_001366535.2); c.1228-2231C>G (NM_001366536.2); c.1385C>G (NM_144596.3); short protein forms P422R, P462R, P478R, P223R, P264R, P452R.
Identifiers: ClinVar variation 1352252 (VCV001352252.9), dbSNP rs2141044395, ClinGen allele CA390554049.